The following is an entry in ClinVar:

ClinVar aggregate classification (germline): Likely pathogenic (1 of 4 stars; one submission).

gnomAD v4.1: 1 of 1,613,178 alleles (0.000062%); highest among the groups gnomAD compares: South Asian, 0.0011%; no homozygotes.

Submission:

CeGaT Center for Human Genetics Tuebingen
Classification: Likely pathogenic. Last evaluated: 2025-09-01. Review status: criteria provided, single submitter. Criteria: CeGaT Center For Human Genetics Tuebingen Variant Classification Criteria Version 2. Collection method: clinical testing. Allele origin: germline. Affected: yes. Observed: 1 variant allele.
Comment: COQ2: PM2, PP4:Moderate, PM3:Supporting, PS3:Supporting

NM_001358921.2(COQ2):c.431C>T (p.Thr144Ile)

Gene: COQ2 (coenzyme Q2, polyprenyltransferase; minus strand). Cytogenetic location: 4q21.23.
Variant type: single nucleotide variant.
Coding change: c.431C>T on transcript NM_001358921.2 (MANE Select); coding-DNA position 431, C replaced by T.
Protein change: p.Thr144Ile; replaces threonine 144 with isoleucine.
Molecular consequence: missense variant.
Genome position (GRCh38, 1-based): chr4:83,273,607, G>A on the plus strand (C>T on the coding strand, the complement: COQ2 is on the minus strand). VCF-style: chr4-83273607-G-A. GRCh37 (hg19) VCF-style: chr4-84194760-G-A.
Other names: c.581C>T, p.Thr194Ile (NM_015697.9); short protein forms T144I, T194I.
Identifiers: ClinVar variation 4281234 (VCV004281234.7).